The following is an entry in ClinVar:

NM_001282225.2(ADA2):c.100C>T (p.Arg34Trp)

Gene: ADA2 (adenosine deaminase 2; minus strand). Cytogenetic location: 22q11.1.
Variant type: single nucleotide variant.
Coding change: c.100C>T on transcript NM_001282225.2 (MANE Select); coding-DNA position 100, C replaced by T.
Protein change: p.Arg34Trp; replaces arginine 34 with tryptophan.
Molecular consequence: missense variant. On other transcripts: 5 prime UTR variant (2), intron variant (1).
Genome position (GRCh38, 1-based): chr22:17,209,578, G>A on the plus strand (C>T on the coding strand, the complement: ADA2 is on the minus strand). VCF-style: chr22-17209578-G-A. GRCh37 (hg19) VCF-style: chr22-17690468-G-A.
Other names: c.100C>T, p.Arg34Trp (NM_001282226.2); c.-27C>T (NM_001282227.2, NM_001282228.2); c.-38-2288C>T (NM_001282229.2); short protein forms R34W.
Identifiers: ClinVar variation 570286 (VCV000570286.10), dbSNP rs750955849, ClinGen allele CA10088336.

ClinVar aggregate classification (germline): Conflicting classifications of pathogenicity. Review status: criteria provided, conflicting classifications (1 of 4 stars). 4 submissions from 4 submitters: Pathogenic (1); Likely pathogenic (2); Uncertain significance (1). Last evaluated 2026-04-15.

Conditions:
Sneddon syndrome (SNDNS). Also called: Idiopathic livedo reticularis with systemic involvement; LIVEDO RETICULARIS AND CEREBROVASCULAR ACCIDENTS. Identifiers: Orphanet 820, MedGen C0282492, MONDO:0008436, OMIM 182410.
Deficiency of adenosine deaminase 2. Also called: VASCULITIS, AUTOINFLAMMATION, IMMUNODEFICIENCY, AND HEMATOLOGIC DEFECTS SYNDROME; Polyarteritis nodosa, childhoood-onset; Adenosine Deaminase 2 Deficiency. Identifiers: Orphanet 404553, MedGen C3887654, MONDO:0014306, OMIM 615688, MONDO:0100317.

Allele frequency attached by ClinVar (database versions not stated): TOPMed 0.00006; gnomAD exomes 0.00008 and 0.00004; gnomAD 0.00002; ExAC 0.00008.
gnomAD v4.1: 65 of 1,613,954 alleles (0.004%); highest among the groups gnomAD compares: Admixed American, 0.038%; no homozygotes.

Submissions (4):

GeneDx
Classification: Pathogenic. Last evaluated: 2026-04-15. Review status: criteria provided, single submitter. Criteria: GeneDx Variant Classification Process June 2021. Collection method: clinical testing. Allele origin: germline.
Comment: Observed with a pathogenic/likely pathogenic variant on the opposite allele (in trans) in unrelated patients with clinical features of ADA2 deficiency tested at GeneDx and in the published literature and published in other affected patients where phase of the variants (cis or trans) was not known (PMID: 33021335, 35095905, 36807221, 39924119, 40518491, 41317964); Published functional studies demonstrate a damaging effect: significantly reduced enzyme activity compared to wild type (PMID: 34004258); In silico analysis supports that this missense variant has a deleterious effect on protein structure/function; This variant is associated with the following publications: (PMID: 33021335, 35095905, 36807221, 39284370, 41317964, 34004258, 40518491, 39924119)

Variantyx, Inc.
Classification: Likely pathogenic for Deficiency of adenosine deaminase 2. Last evaluated: 2025-08-14. Review status: criteria provided, single submitter. Criteria: Variantyx Assertion Criteria 2022. Collection method: clinical testing. Allele origin: germline. Inheritance: Autosomal recessive inheritance. Affected: no.
Comment: This is a nonsynonymous variant in the ADA2 gene (OMIM: 607575). Pathogenic variants in this gene have been associated with autosomal recessive vasculitis, autoinflammation, immunodeficiency, and hematologic defects syndrome. This variant has been identified in the compound heterozygous state in at least 3 unrelated affected individuals reported in the published literature (PMID: 35095905, 39284370, 36807221) (PM3). Computational algorithms produce conflicting evidence regarding the predicted functional impact of this variant (REVEL score: 0.308), but functional studies have shown that this variant alters ADA2 protein function (PMID: 34004258) (PS3). This variant has a 0.0384% maximum allele frequency in non-founder control populations (PM2). Based on the current evidence, this variant is classified as likely pathogenic for autosomal recessive vasculitis, autoinflammation, immunodeficiency, and hematologic defects syndrome.

Fulgent Genetics
Classification: Likely pathogenic for Sneddon syndrome; Deficiency of adenosine deaminase 2. Last evaluated: 2024-02-05. Review status: criteria provided, single submitter. Criteria: ACMG Guidelines, 2015. Collection method: clinical testing. Allele origin: germline.

Labcorp Genetics (formerly Invitae), Labcorp
Classification: Uncertain significance for Deficiency of adenosine deaminase 2. Last evaluated: 2022-07-19. Review status: criteria provided, single submitter. Criteria: Invitae Variant Classification Sherloc (09022015). Collection method: clinical testing. Allele origin: germline.
Comment: This sequence change replaces arginine, which is basic and polar, with tryptophan, which is neutral and slightly polar, at codon 34 of the ADA2 protein (p.Arg34Trp). This variant is present in population databases (rs750955849, gnomAD 0.05%). This variant has not been reported in the literature in individuals affected with ADA2-related conditions. ClinVar contains an entry for this variant (Variation ID: 570286). Algorithms developed to predict the effect of missense changes on protein structure and function are either unavailable or do not agree on the potential impact of this missense change (SIFT: "Deleterious"; PolyPhen-2: "Probably Damaging"; Align-GVGD: "Class C0"). In summary, the available evidence is currently insufficient to determine the role of this variant in disease. Therefore, it has been classified as a Variant of Uncertain Significance.

Literature cited by the submitters: PubMed 35095905 (cited by Variantyx, Inc.); PubMed 39284370 (cited by Variantyx, Inc.); PubMed 36807221 (cited by Variantyx, Inc.); PubMed 34004258 (cited by Variantyx, Inc.).